The following is an entry in ClinVar:

NM_000051.4(ATM):c.8657T>G (p.Val2886Gly)

Genes: ATM (ATM serine/threonine kinase; plus strand), C11orf65 (chromosome 11 open reading frame 65; minus strand). Cytogenetic location: 11q22.3.
Variant type: single nucleotide variant.
Coding change: c.8657T>G on transcript NM_000051.4 (MANE Select); coding-DNA position 8657, T replaced by G.
Protein change: p.Val2886Gly; replaces valine 2886 with glycine.
Molecular consequence: missense variant. On other transcripts: intron variant (2).
Genome position (GRCh38, 1-based): chr11:108,347,351, T>G. VCF-style: chr11-108347351-T-G. GRCh37 (hg19) VCF-style: chr11-108218078-T-G.
Other names: c.8657T>G, p.Val2886Gly (NM_001351834.2); c.641-38280A>C (NM_001330368.2); c.695-12059A>C (NM_001351110.2); short protein forms V2886G.
Identifiers: ClinVar variation 822632 (VCV000822632.6), dbSNP rs1591274458, ClinGen allele CA382521187.

ClinVar aggregate classification (germline): Uncertain significance (1 of 4 stars; one submission).

Conditions:
Hereditary cancer-predisposing syndrome. Also called: Tumor predisposition; Neoplastic Syndromes, Hereditary; Hereditary Cancer Syndrome; Hereditary neoplastic syndrome. Identifiers: Orphanet 140162, MedGen C0027672, MeSH D009386, MONDO:0015356.

Submission:

Ambry Genetics
Classification: Uncertain significance for Hereditary cancer-predisposing syndrome. Last evaluated: 2019-01-18. Review status: criteria provided, single submitter. Criteria: Ambry Variant Classification Scheme 2023. Collection method: clinical testing. Allele origin: germline.
Comment: The p.V2886G variant (also known as c.8657T>G), located in coding exon 58 of the ATM gene, results from a T to G substitution at nucleotide position 8657. The valine at codon 2886 is replaced by glycine, an amino acid with dissimilar properties. This amino acid position is highly conserved in available vertebrate species. In addition, this alteration is predicted to be deleterious by in silico analysis. Since supporting evidence is limited at this time, the clinical significance of this alteration remains unclear.